The following is an entry in ClinVar:

NM_002529.4(NTRK1):c.2169C>T (p.Tyr723=)

Gene: NTRK1 (neurotrophic receptor tyrosine kinase 1; plus strand). Cytogenetic location: 1q23.1.
Variant type: single nucleotide variant.
Coding change: c.2169C>T on transcript NM_002529.4 (MANE Select); coding-DNA position 2169, C replaced by T.
Protein change: p.Tyr723=; no amino-acid change (tyrosine 723 retained).
Molecular consequence: synonymous variant.
Genome position (GRCh38, 1-based): chr1:156,880,121, C>T. VCF-style: chr1-156880121-C-T. GRCh37 (hg19) VCF-style: chr1-156849913-C-T.
Other names: c.2061C>T, p.Tyr687= (NM_001007792.1); c.2151C>T, p.Tyr717= (NM_001012331.2).
Identifiers: ClinVar variation 292896 (VCV000292896.41), dbSNP rs140852621, ClinGen allele CA1169582.
Genomic context (GRCh38, chr1:156,880,121, plus strand): 5'-GTTCACCACCGAGAGCGACGTGTGGAGCTTCGGCGTGGTGCTCTGGGAGATCTTCACCTA[C>T]GGCAAGCAGCCCTGGTACCAGCTCTCCAACACGGAGGTCAGCCCCGGCCCATGGTCACCC-3'
Protein context (NP_002520.2, residues 713-733): FGVVLWEIFT[Tyr723=]GKQPWYQLSN

ClinVar aggregate classification (germline): Conflicting classifications of pathogenicity. Review status: criteria provided, conflicting classifications (1 of 4 stars). 6 submissions from 6 submitters: Uncertain significance (1); Likely benign (5). Last evaluated 2026-01-19.

Conditions:
Inborn genetic diseases. Identifiers: MedGen C0950123, MeSH D030342.
Hereditary insensitivity to pain with anhidrosis (CIPA). Also called: HSAN Type IV; hereditary sensory and autonomic neuropathy type 4; INSENSITIVITY TO PAIN, CONGENITAL, WITH ANHIDROSIS; FAMILIAL DYSAUTONOMIA, TYPE II; NTRK1 Congenital Insensitivity to Pain with Anhidrosis; NEUROPATHY, CONGENITAL SENSORY, WITH ANHIDROSIS. Identifiers: Orphanet 642, MedGen C0020074, MONDO:0009746, OMIM 256800.

Allele frequency attached by ClinVar (database versions not stated): gnomAD 0.00002 and 0.00005; TOPMed 0.00004; ESP Exome Variant Server 0.00008; gnomAD exomes 0.00008 and 0.00010; ExAC 0.00013; 1000 Genomes Project 0.00040; 1000 Genomes Project 30x 0.00047.
gnomAD v4.1: 130 of 1,613,628 alleles (0.0081%); highest among the groups gnomAD compares: South Asian, 0.078%; no homozygotes.

Submissions (6):

Labcorp Genetics (formerly Invitae), Labcorp
Classification: Likely benign for Hereditary insensitivity to pain with anhidrosis. Last evaluated: 2026-01-19. Review status: criteria provided, single submitter. Criteria: Invitae Variant Classification Sherloc (09022015). Collection method: clinical testing. Allele origin: germline.

Blueprint Genetics
Classification: Likely benign. Last evaluated: 2024-11-19. Review status: criteria provided, single submitter. Criteria: ACMG Guidelines, 2015. Collection method: clinical testing. Allele origin: germline.

CeGaT Center for Human Genetics Tuebingen
Classification: Likely benign. Last evaluated: 2024-02-01. Review status: criteria provided, single submitter. Criteria: CeGaT Center For Human Genetics Tuebingen Variant Classification Criteria Version 2. Collection method: clinical testing. Allele origin: germline. Affected: yes. Observed: 1 variant allele.
Comment: NTRK1: BP4, BP7

Ambry Genetics
Classification: Likely benign for Inborn genetic diseases. Last evaluated: 2019-07-11. Review status: criteria provided, single submitter. Criteria: Ambry Variant Classification Scheme 2023. Collection method: clinical testing. Allele origin: germline.

Illumina Laboratory Services, Illumina
Classification: Uncertain significance for Hereditary insensitivity to pain with anhidrosis. Last evaluated: 2018-01-12. Review status: criteria provided, single submitter. Criteria: ICSL Variant Classification Criteria 13 December 2019. Collection method: clinical testing. Allele origin: germline.

GeneDx
Classification: Likely benign. Last evaluated: 2015-11-16. Review status: criteria provided, single submitter. Criteria: GeneDx Variant Classification (06012015). Collection method: clinical testing. Allele origin: germline. Affected: yes.
Comment: This variant is considered likely benign or benign based on one or more of the following criteria: it is a conservative change, it occurs at a poorly conserved position in the protein, it is predicted to be benign by multiple in silico algorithms, and/or has population frequency not consistent with disease.